The following is an entry in ClinVar:

NM_032043.3(BRIP1):c.2114_2118del (p.Lys705fs)

Gene: BRIP1 (BRCA1 interacting DNA helicase 1; minus strand). Cytogenetic location: 17q23.2.
Variant type: Deletion.
Coding change: c.2114_2118del on transcript NM_032043.3 (MANE Select); coding-DNA positions 2114 to 2118, 5 bases deleted (AAGAA; older notation c.2114_2118delAAGAA).
Protein change: p.Lys705fs; shifts the reading frame from lysine 705.
Molecular consequence: frameshift variant.
Genome position (GRCh38, 1-based): chr17:61,744,571-61,744,575, TTCTT deleted on the plus strand (AAGAA on the coding strand, the reverse complement: BRIP1 is on the minus strand); deleting any 5 consecutive bases within chr17:61,744,571-61,744,577 gives the same sequence; the c. name uses the placement nearest the transcript's 3' end. VCF-style (leftmost placement, unchanged base first): chr17-61744570-GTTCTT-G. GRCh37 (hg19) VCF-style: chr17-59821931-GTTCTT-G.
Other names: c.2114_2118delAAGAA (NM_032043.2, NM_032043.3); c.2114_2118del5 (NM_032043.2); short protein forms K705fs.
Identifiers: ClinVar variation 220629 (VCV000220629.38), dbSNP rs864622611, ClinGen allele CA348808.

ClinVar aggregate classification (germline): Pathogenic/Likely pathogenic. Review status: criteria provided, multiple submitters, no conflicts (2 of 4 stars). 11 submissions from 11 submitters: Pathogenic (9); Likely pathogenic (1). 1 of the submissions does not count toward it. Last evaluated 2025-12-19.

Conditions:
Fanconi anemia complementation group J. Also called: BRIP1-Related Fanconi Anemia. Identifiers: Orphanet 84, MedGen C1836860, MONDO:0012187, OMIM 609054.
Ovarian cancer. Also called: OVARIAN CANCER, SOMATIC. Identifiers: Orphanet 213500, MedGen C1140680, MONDO:0008170, OMIM 167000.
Hereditary cancer-predisposing syndrome. Also called: Tumor predisposition; Hereditary neoplastic syndrome; Neoplastic Syndromes, Hereditary; Hereditary Cancer Syndrome. Identifiers: Orphanet 140162, MedGen C0027672, MeSH D009386, MONDO:0015356.
Familial cancer of breast. Also called: hereditary breast carcinoma; Hereditary breast cancer; BREAST CANCER, FAMILIAL. Identifiers: Orphanet 227535, MedGen C0346153, MONDO:0016419, OMIM 114480. Disease mechanism: loss of function.
Malignant tumor of breast. Also called: Malignant breast neoplasm; Cancer breast. Identifiers: MedGen C0006142, MONDO:0007254. Disease mechanism: loss of function.

Submissions (11):

Labcorp Genetics (formerly Invitae), Labcorp
Classification: Pathogenic for Familial cancer of breast; Fanconi anemia complementation group J. Last evaluated: 2025-12-19. Review status: criteria provided, single submitter. Criteria: Invitae Variant Classification Sherloc (09022015). Collection method: clinical testing. Allele origin: germline.
Comment: This sequence change creates a premature translational stop signal (p.Lys705Thrfs*10) in the BRIP1 gene. It is expected to result in an absent or disrupted protein product. Loss-of-function variants in BRIP1 are known to be pathogenic (PMID: 16116423, 17033622, 21964575). This variant is not present in population databases (gnomAD no frequency). This premature translational stop signal has been observed in individual(s) with endometrial cancer (PMID: 27443514). ClinVar contains an entry for this variant (Variation ID: 220629). For these reasons, this variant has been classified as Pathogenic.

Women's Health and Genetics/Laboratory Corporation of America, LabCorp
Classification: Pathogenic for Malignant tumor of breast. Last evaluated: 2025-10-20. Review status: criteria provided, single submitter. Criteria: LabCorp Variant Classification Summary - May 2015. Collection method: clinical testing. Allele origin: germline.
Comment: Variant summary: BRIP1 c.2114_2118delAAGAA (p.Lys705ThrfsX10) results in a premature termination codon, predicted to cause a truncation of the encoded protein or absence of the protein due to nonsense mediated decay, which are commonly known mechanisms for disease. The variant was absent in 251042 control chromosomes. c.2114_2118delAAGAA has been observed in individual(s) affected with Endometrial cancer (Ring_2016). To our knowledge, no experimental evidence demonstrating an impact on protein function has been reported. The following publication have been ascertained in the context of this evaluation (PMID: 27443514). ClinVar contains an entry for this variant (Variation ID: 220629). Based on the evidence outlined above, the variant was classified as pathogenic.

Ambry Genetics
Classification: Pathogenic for Hereditary cancer-predisposing syndrome. Last evaluated: 2024-12-27. Review status: criteria provided, single submitter. Criteria: Ambry Variant Classification Scheme 2023. Collection method: clinical testing. Allele origin: germline.
Comment: The c.2114_2118delAAGAA pathogenic mutation, located in coding exon 14 of the BRIP1 gene, results from a deletion of 5 nucleotides at nucleotide positions 2114 to 2118, causing a translational frameshift with a predicted alternate stop codon (p.K705Tfs*10). This alteration has been previously detected in a cohort of 381 unselected endometrial cancer patients who underwent multi-gene panel testing (Ring KL et al. Mod Pathol, 2016 11;29:1381-1389). In addition to the clinical data presented in the literature, this alteration is expected to result in loss of function by premature protein truncation or nonsense-mediated mRNA decay. As such, this alteration is interpreted as a disease-causing mutation.

Baylor Genetics
Classification: Pathogenic for Familial cancer of breast. Last evaluated: 2023-11-09. Review status: criteria provided, single submitter. Criteria: ACMG Guidelines, 2015. Collection method: clinical testing. Allele origin: unknown.

GeneDx
Classification: Pathogenic. Last evaluated: 2023-09-07. Review status: criteria provided, single submitter. Criteria: GeneDx Variant Classification Process June 2021. Collection method: clinical testing. Allele origin: germline. Affected: yes.
Comment: Frameshift variant predicted to result in protein truncation or nonsense mediated decay in a gene for which loss-of-function is a known mechanism of disease; Not observed at significant frequency in large population cohorts (gnomAD); Truncating variants in this gene are considered pathogenic by a well-established clinical consortium and/or database; Observed in individuals with breast or endometrial cancer (Ring et al., 2016; Weitzel et al., 2019); This variant is associated with the following publications: (PMID: 17033622, 16116423, 21964575, 31206626, 27443514)

Myriad Genetics, Inc.
Classification: Pathogenic for Familial cancer of breast. Last evaluated: 2023-02-27. Review status: criteria provided, single submitter. Criteria: Myriad Autosomal Dominant, Autosomal Recessive and X-Linked Classification Criteria (2023). Collection method: clinical testing. Allele origin: unknown.
Comment: This variant is considered pathogenic. This variant creates a frameshift predicted to result in premature protein truncation.

Clinical Genetics Laboratory, Skane University Hospital Lund
Classification: Pathogenic. Last evaluated: 2022-05-27. Review status: criteria provided, single submitter. Criteria: ACMG Guidelines, 2015. Collection method: clinical testing. Allele origin: germline. Affected: yes.

Color Diagnostics, LLC DBA Color Health
Classification: Pathogenic for Hereditary cancer-predisposing syndrome. Last evaluated: 2022-05-06. Review status: criteria provided, single submitter. Criteria: ACMG Guidelines, 2015. Collection method: clinical testing. Allele origin: germline.
Comment: This variant deletes 5 nucleotides in exon 15 of the BRIP1 gene, creating a frameshift and premature translation stop signal. This variant is expected to result in an absent or non-functional protein product. This variant has been reported in an individual affected with endometrial cancer (PMID: 27443514). This variant has not been identified in the general population by the Genome Aggregation Database (gnomAD). Loss of BRIP1 function is a known mechanism of disease. Based on the available evidence, this variant is classified as Pathogenic.

Fulgent Genetics
Classification: Likely pathogenic for Familial cancer of breast; Fanconi anemia complementation group J. Last evaluated: 2021-08-25. Review status: criteria provided, single submitter. Criteria: ACMG Guidelines, 2015. Collection method: clinical testing. Allele origin: unknown.

Revvity Omics, Revvity
Classification: Pathogenic for Fanconi anemia complementation group J. Last evaluated: 2019-04-30. Review status: criteria provided, single submitter. Criteria: ACMG Guidelines, 2015. Collection method: clinical testing. Allele origin: germline.

Counsyl
Classification: Likely pathogenic for Fanconi anemia complementation group J; Ovarian cancer. Last evaluated: 2017-08-21. Review status: no assertion criteria provided. Collection method: clinical testing. Allele origin: unknown. Not counted in ClinVar's aggregate classification.

Literature cited by the submitters: PubMed 16116423 (cited by Labcorp Genetics (formerly Invitae), Labcorp); PubMed 17033622 (cited by Labcorp Genetics (formerly Invitae), Labcorp); PubMed 21964575 (cited by Labcorp Genetics (formerly Invitae), Labcorp); PubMed 27443514 (cited by 5 submitters).